The following is an entry in ClinVar:

ClinVar aggregate classification (germline): Conflicting classifications of pathogenicity. Review status: criteria provided, conflicting classifications (1 of 4 stars). 2 submissions from 2 submitters: Likely pathogenic (1); Uncertain significance (1). Last evaluated 2019-02-07.

Submissions (2):

Broad Center for Mendelian Genomics, Broad Institute of MIT and Harvard
Classification: Likely pathogenic. Last evaluated: 2019-02-07. Review status: criteria provided, single submitter. Criteria: ACMG Guidelines, 2015. Collection method: research. Allele origin: de novo. Inheritance: Autosomal dominant inheritance. Affected: yes.
Comment: Trio exome analysis showed this variant to be de novo. The c.1130+2T>C variant in KMT2E has not been previously reported in individuals with intellectual disabilities or developmental delay and was absent from large population studies. This variant occurs in the invariant region (+/- 1/2) of the splice consensus sequence and is predicted to cause altered splicing leading to an abnormal or absent protein. This alteration is then predicted to lead to a truncated or absent protein. It is of note, that loss of function of the KMT2E gene in autosomal dominant disease has not yet been established based on the criteria laid out in Tayoun, 2018 (PMID: 30192042). In summary, although additional studies are required to fully establish its clinical significance, this variant is likely pathogenic.

GeneDx
Classification: Uncertain significance. Last evaluated: 2017-08-16. Review status: criteria provided, single submitter. Criteria: GeneDx Variant Classification (06012015). Collection method: clinical testing. Allele origin: germline. Affected: yes.
Comment: The c.1130+2T>C variant in the KMT2E gene has not been reported previously as a pathogenic variant nor as a benign variant, to our knowledge. This splice site variant destroys the canonical splice donor site in intron 11. It is predicted to cause abnormal gene splicing, either leading to an abnormal message that is subject to nonsense-mediated mRNA decay, or to an abnormal protein product if the message is used for protein translation. The c.1130+2T>C variant is not observed in large population cohorts (Lek et al., 2016; 1000 Genomes Consortium et al., 2015; Exome Variant Server). Based on currently available evidence, we interpret c.1130+2T>C as a variant of uncertain significance.

NM_182931.3(KMT2E):c.1130+2T>C

Gene: KMT2E (lysine methyltransferase 2E (inactive); plus strand). Cytogenetic location: 7q22.3.
Variant type: single nucleotide variant.
Coding change: c.1130+2T>C on transcript NM_182931.3 (MANE Select); the canonical splice donor site of the intron after coding-DNA position 1130, T replaced by C.
Molecular consequence: splice donor variant.
Genome position (GRCh38, 1-based): chr7:105,077,435, T>C. VCF-style: chr7-105077435-T-C. GRCh37 (hg19) VCF-style: chr7-104717882-T-C.
Other names: c.1130+2T>C (NM_001410908.1, NM_018682.4).
Identifiers: ClinVar variation 451336 (VCV000451336.4), dbSNP rs1554394210, ClinGen allele CA368778775.